The following is an entry in ClinVar:

ClinVar aggregate classification (germline): Uncertain significance (1 of 4 stars; one submission).

Conditions:
Hereditary cancer-predisposing syndrome. Also called: Neoplastic Syndromes, Hereditary; Tumor predisposition; Hereditary Cancer Syndrome; Hereditary neoplastic syndrome. Identifiers: Orphanet 140162, MedGen C0027672, MeSH D009386, MONDO:0015356.

Submission:

Ambry Genetics
Classification: Uncertain significance for Hereditary cancer-predisposing syndrome. Last evaluated: 2026-07-29. Review status: criteria provided, single submitter. Criteria: Ambry Variant Classification Scheme 2023. Collection method: clinical testing. Allele origin: germline.
Comment: The p.I1463T variant (also known as c.4388T>C), located in coding exon 33 of the TSC2 gene, results from a T to C substitution at nucleotide position 4388. The isoleucine at codon 1463 is replaced by threonine, an amino acid with similar properties. This amino acid position is conserved. In addition, this alteration is predicted to be deleterious by in silico analysis. Based on the available evidence, the clinical significance of this variant remains unclear.

NM_000548.5(TSC2):c.4388T>C (p.Ile1463Thr)

Gene: TSC2 (TSC complex subunit 2; plus strand). Cytogenetic location: 16p13.3.
Variant type: single nucleotide variant.
Coding change: c.4388T>C on transcript NM_000548.5 (MANE Select); coding-DNA position 4388, T replaced by C.
Protein change: p.Ile1463Thr; replaces isoleucine 1463 with threonine.
Molecular consequence: missense variant. On other transcripts: non-coding transcript variant (5).
Genome position (GRCh38, 1-based): chr16:2,084,610, T>C. VCF-style: chr16-2084610-T-C. GRCh37 (hg19) VCF-style: chr16-2134611-T-C.
Other names: c.4187T>C, p.Ile1396Thr (NM_001077183.3); c.4319T>C, p.Ile1440Thr (NM_001114382.3); c.4079T>C, p.Ile1360Thr (NM_001318827.2); c.4043T>C, p.Ile1348Thr (NM_001318829.2); c.3656T>C, p.Ile1219Thr (NM_001318831.2); c.4220T>C, p.Ile1407Thr (NM_001318832.2); c.4190T>C, p.Ile1397Thr (NM_001363528.2); c.4256T>C, p.Ile1419Thr (NM_001370404.1); and 26 more; short protein forms I1196T, I1240T, I1243T, I1347T, I1392T, I1426T, I1439T, I1462T.
Identifiers: ClinVar variation 4826477 (VCV004826477.2).